The following is an entry in ClinVar:

NM_000088.4(COL1A1):c.4351G>T (p.Asp1451Tyr)

Gene: COL1A1 (collagen type I alpha 1 chain; minus strand). Cytogenetic location: 17q21.33.
Variant type: single nucleotide variant.
Coding change: c.4351G>T on transcript NM_000088.4 (MANE Select); coding-DNA position 4351, G replaced by T.
Protein change: p.Asp1451Tyr; replaces aspartic acid 1451 with tyrosine.
Molecular consequence: missense variant.
Genome position (GRCh38, 1-based): chr17:50,185,546, C>A on the plus strand (G>T on the coding strand, the complement: COL1A1 is on the minus strand). VCF-style: chr17-50185546-C-A. GRCh37 (hg19) VCF-style: chr17-48262907-C-A.
Other names: short protein forms D1451Y.
Identifiers: ClinVar variation 1304034 (VCV001304034.3), dbSNP rs1339511647, ClinGen allele CA400190135.

ClinVar aggregate classification (germline): Uncertain significance (1 of 4 stars; one submission).

Allele frequency attached by ClinVar (database versions not stated): gnomAD exomes below 0.00001; gnomAD 0.00001; TOPMed 0.00001.
gnomAD v4.1: 7 of 1,613,056 alleles (0.00043%); highest among the groups gnomAD compares: Non-Finnish European, 0.00059%; no homozygotes.

Submission:

GeneDx
Classification: Uncertain significance. Last evaluated: 2022-05-06. Review status: criteria provided, single submitter. Criteria: GeneDx Variant Classification Process June 2021. Collection method: clinical testing. Allele origin: germline. Affected: yes.
Comment: Identified in a patient with long bone fractures who also harbored p.(R50*) in the SGMS2 gene, the p.(D1451Y) variant in the COL1A1 gene was inherited from an unaffected father (Robinson et al., 2020); Reported in a poster presented at the American College of Medical Genetics Annual Meeting in a patient with OI who inherited the variant from an unaffected parent (Anderson and Burke; 2016); In silico analysis supports that this missense variant has a deleterious effect on protein structure/function; Not observed in large population cohorts (gnomAD); Not located in the triple helical region, where the majority of pathogenic missense variants occur (Stenson et al., 2014); This variant is associated with the following publications: (PMID: 32028018)